The following is an entry in ClinVar:

NM_000433.4(NCF2):c.805G>A (p.Val269Ile)

Gene: NCF2 (neutrophil cytosolic factor 2; minus strand). Cytogenetic location: 1q25.3.
Variant type: single nucleotide variant.
Coding change: c.805G>A on transcript NM_000433.4 (MANE Select); coding-DNA position 805, G replaced by A.
Protein change: p.Val269Ile; replaces valine 269 with isoleucine.
Molecular consequence: missense variant.
Genome position (GRCh38, 1-based): chr1:183,567,254, C>T on the plus strand (G>A on the coding strand, the complement: NCF2 is on the minus strand). VCF-style: chr1-183567254-C-T. GRCh37 (hg19) VCF-style: chr1-183536389-C-T.
Other names: c.805G>A, p.Val269Ile (NM_001127651.3); c.562G>A, p.Val188Ile (NM_001190789.2); c.670G>A, p.Val224Ile (NM_001190794.2); short protein forms V188I, V224I, V269I.
Identifiers: ClinVar variation 1305317 (VCV001305317.2), dbSNP rs748228594, ClinGen allele CA1284803.
Genomic context (GRCh38, chr1:183,567,254, plus strand): 5'-CTCTGCATACCTGCCCGTTGAACATGACCGTGGCCCAGTTATCATTGCCCTTCTTCAAGA[C>T]AAAGACAATGTTCCCTGGCATGACCTGGAGCTCTTCTTTTGTCTCAGGCACAAACCCAAA-3'
Protein context (NP_000424.2, residues 259-279): LQVMPGNIVF[Val269Ile]LKKGNDNWAT

ClinVar aggregate classification (germline): Uncertain significance (1 of 4 stars; one submission).

Allele frequency attached by ClinVar (database versions not stated): gnomAD exomes below 0.00001 and 0.00001; ExAC 0.00001; TOPMed 0.00001.
gnomAD v4.1: 5 of 1,614,168 alleles (0.00031%); highest among the groups gnomAD compares: Admixed American, 0.0067%; no homozygotes.

Submission:

GeneDx
Classification: Uncertain significance. Last evaluated: 2019-04-18. Review status: criteria provided, single submitter. Criteria: GeneDx Variant Classification Process June 2021. Collection method: clinical testing. Allele origin: germline. Affected: yes.
Comment: In silico analysis, which includes protein predictors and evolutionary conservation, supports that this variant does not alter protein structure/function; Has not been previously published as pathogenic or benign to our knowledge